The following is an entry in ClinVar:

NM_031892.3(SH3KBP1):c.1690G>A (p.Ala564Thr)

Gene: SH3KBP1 (SH3 domain containing kinase binding protein 1; minus strand). Cytogenetic location: Xp22.12.
Variant type: single nucleotide variant.
Coding change: c.1690G>A on transcript NM_031892.3 (MANE Select); coding-DNA position 1690, G replaced by A.
Protein change: p.Ala564Thr; replaces alanine 564 with threonine.
Molecular consequence: missense variant.
Genome position (GRCh38, 1-based): chrX:19,542,127, C>T on the plus strand (G>A on the coding strand, the complement: SH3KBP1 is on the minus strand). VCF-style: chrX-19542127-C-T. GRCh37 (hg19) VCF-style: chrX-19560245-C-T.
Other names: c.1579G>A, p.Ala527Thr (NM_001024666.3); c.976G>A, p.Ala326Thr (NM_001184960.2); c.1561G>A, p.Ala521Thr (NM_001353890.2); c.1765G>A, p.Ala589Thr (NM_001353891.2); c.1636G>A, p.Ala546Thr (NM_001353892.2); c.1588G>A, p.Ala530Thr (NM_001353893.2); c.1459G>A, p.Ala487Thr (NM_001353894.2); c.1516G>A, p.Ala506Thr (NM_001353895.2); and 1 more; short protein forms A521T, A589T, A326T, A283T, A487T, A527T, A530T, A506T.
Identifiers: ClinVar variation 1481178 (VCV001481178.8), dbSNP rs1298938183, ClinGen allele CA412496031.

ClinVar aggregate classification (germline): Uncertain significance (1 of 4 stars; one submission).

Allele frequency attached by ClinVar (database versions not stated): TOPMed below 0.00001.

Submission:

Labcorp Genetics (formerly Invitae), Labcorp
Classification: Uncertain significance. Last evaluated: 2020-11-03. Review status: criteria provided, single submitter. Criteria: Invitae Variant Classification Sherloc (09022015). Collection method: clinical testing. Allele origin: germline.
Comment: In summary, the available evidence is currently insufficient to determine the role of this variant in disease. Therefore, it has been classified as a Variant of Uncertain Significance. Algorithms developed to predict the effect of missense changes on protein structure and function output the following: SIFT: "Tolerated"; PolyPhen-2: "Possibly Damaging"; Align-GVGD: "Class C0". The threonine amino acid residue is found in multiple mammalian species, suggesting that this missense change does not adversely affect protein function. These predictions have not been confirmed by published functional studies and their clinical significance is uncertain. This variant has not been reported in the literature in individuals with SH3KBP1-related conditions. This variant is not present in population databases (ExAC no frequency). This sequence change replaces alanine with threonine at codon 564 of the SH3KBP1 protein (p.Ala564Thr). The alanine residue is weakly conserved and there is a small physicochemical difference between alanine and threonine.